The following is an entry in ClinVar:

NM_182972.3(IRF2BP2):c.627_659del (p.Ala214_Leu224del)

Genes: IRF2BP2 (interferon regulatory factor 2 binding protein 2; minus strand), LOC129932811 (ATAC-STARR-seq lymphoblastoid silent region 1976; plus strand). Cytogenetic location: 1q42.3.
Variant type: Deletion.
Coding change: c.627_659del on transcript NM_182972.3 (MANE Select); coding-DNA positions 627 to 659, 33 bases deleted.
Protein change: p.Ala214_Leu224del.
Molecular consequence: inframe deletion.
Genome position (GRCh38, 1-based): chr1:234,608,836-234,608,868, 33 bases deleted; deleting any 33 consecutive bases within chr1:234,608,836-234,608,871 gives the same sequence; the c. name uses the placement nearest the transcript's 3' end. GRCh37 (hg19): chr1:234,744,585-234,744,617.
Other names: c.627_659del, p.Ala214_Leu224del (NM_001077397.1).
Identifiers: ClinVar variation 3008618 (VCV003008618.4), dbSNP rs1672253103, ClinGen allele CA1013503275.

ClinVar aggregate classification (germline): Uncertain significance. Review status: criteria provided, multiple submitters, no conflicts (2 of 4 stars). 2 submissions from 2 submitters: Uncertain significance (2). Last evaluated 2022-11-03.

Conditions:
Immunodeficiency, common variable, 14. Identifiers: Orphanet 696904, MedGen C4540380, MONDO:0054691, OMIM 617765.

Submissions (2):

Labcorp Genetics (formerly Invitae), Labcorp
Classification: Uncertain significance. Last evaluated: 2022-11-03. Review status: criteria provided, single submitter. Criteria: Invitae Variant Classification Sherloc (09022015). Collection method: clinical testing. Allele origin: germline.
Comment: In summary, the available evidence is currently insufficient to determine the role of this variant in disease. Therefore, it has been classified as a Variant of Uncertain Significance. Experimental studies and prediction algorithms are not available or were not evaluated, and the functional significance of this variant is currently unknown. This variant has not been reported in the literature in individuals affected with IRF2BP2-related conditions. This variant is not present in population databases (gnomAD no frequency). This variant, c.627_659del, results in the deletion of 11 amino acid(s) of the IRF2BP2 protein (p.Ala214_Leu224del), but otherwise preserves the integrity of the reading frame.

Department of Pathology and Laboratory Medicine, Sinai Health System
Classification: Uncertain significance for immunodeficiency, common variable, 14. Last evaluated: 2022-03-21. Review status: criteria provided, single submitter. Criteria: ACMG Guidelines, 2015. Collection method: research. Allele origin: germline.